The following is an entry in ClinVar:

ClinVar aggregate classification (germline): Likely benign. Review status: criteria provided, multiple submitters, no conflicts (2 of 4 stars). 2 submissions from 2 submitters: Likely benign (2). Last evaluated 2026-09-01.

Conditions:
Inborn genetic diseases. Identifiers: MedGen C0950123, MeSH D030342.

Allele frequency attached by ClinVar (database versions not stated): gnomAD 0.00001 and 0.00002; TOPMed 0.00002.

Submissions (2):

CeGaT Center for Human Genetics Tuebingen
Classification: Likely benign. Last evaluated: 2026-09-01. Review status: criteria provided, single submitter. Criteria: CeGaT Center For Human Genetics Tuebingen Variant Classification Criteria Version 2. Collection method: clinical testing. Allele origin: germline. Affected: yes. Observed: 1 variant allele.
Comment: SHANK3: BP4, BP7

Ambry Genetics
Classification: Likely benign for Inborn genetic diseases. Last evaluated: 2016-05-06. Review status: criteria provided, single submitter. Criteria: Ambry Variant Classification Scheme 2023. Collection method: clinical testing. Allele origin: germline.

NM_001372044.2(SHANK3):c.5079C>T (p.His1693=)

Gene: SHANK3 (SH3 and multiple ankyrin repeat domains 3; plus strand). Cytogenetic location: 22q13.33.
Variant type: single nucleotide variant.
Coding change: c.5079C>T on transcript NM_001372044.2 (MANE Select); coding-DNA position 5079, C replaced by T.
Protein change: p.His1693=; no amino-acid change (histidine 1693 retained).
Molecular consequence: synonymous variant.
Genome position (GRCh38, 1-based): chr22:50,730,970, C>T. VCF-style: chr22-50730970-C-T. GRCh37 (hg19) VCF-style: chr22-51169398-C-T.
Other names: c.4854C>T, p.His1618= (NM_033517.1).
Identifiers: ClinVar variation 587870 (VCV000587870.6), dbSNP rs917429108, ClinGen allele CA325591053.